The following is an entry in ClinVar:

ClinVar aggregate classification (germline): Likely pathogenic (1 of 4 stars; one submission).

Conditions:
Gillespie syndrome (GLSP). Also called: Aniridia, cerebellar ataxia, and mental deficiency; Aniridia-cerebellar ataxia-intellectual disability syndrome. Identifiers: Orphanet 1065, MedGen C0431401, MONDO:0008795, OMIM 206700.

Submission:

First Genomix Gene Laboratory, Genetic Diagnostics Department
Classification: Likely pathogenic for Gillespie syndrome. Last evaluated: 2025-08-04. Review status: criteria provided, single submitter. Criteria: ACMG Guidelines, 2015. Collection method: clinical testing. Allele origin: germline. Inheritance: Autosomal recessive inheritance. Affected: no. Observed: 1 variant allele.

NM_001378452.1(ITPR1):c.6742dup (p.Ile2248fs)

Gene: ITPR1 (inositol 1,4,5-trisphosphate receptor type 1; plus strand). Cytogenetic location: 3p26.1.
Variant type: Duplication.
Coding change: c.6742dup on transcript NM_001378452.1 (MANE Select); coding-DNA position 6742, one base duplicated (A; older notation c.6742dupA).
Protein change: p.Ile2248fs; shifts the reading frame from isoleucine 2248.
Molecular consequence: frameshift variant.
Genome position (GRCh38, 1-based): chr3:4,788,073, A duplicated; the last of 4 consecutive A bases (chr3:4,788,070-4,788,073); duplicating any one gives the same sequence. VCF-style (leftmost placement, unchanged base first): chr3-4788069-C-CA. GRCh37 (hg19) VCF-style: chr3-4829753-C-CA.
Other names: c.6598dup, p.Ile2200fs (NM_001099952.4); c.6697dup, p.Ile2233fs (NM_001168272.2); c.6553dup, p.Ile2185fs (NM_002222.7); c.6553dupA (NM_002222.7); short protein forms I2185fs, I2200fs, I2233fs, I2248fs.
Identifiers: ClinVar variation 4850582 (VCV004850582.1).